The following is an entry in ClinVar:

ClinVar aggregate classification (germline): Pathogenic (1 of 4 stars; one submission).

Submission:

Athena Diagnostics
Classification: Pathogenic. Last evaluated: 2022-08-29. Review status: criteria provided, single submitter. Criteria: Athena Diagnostics Criteria. Collection method: clinical testing. Allele origin: unknown.
Comment: This variant is expected to result in the loss of a functional protein. This variant has been identified in at least one individual with clinical features associated with this gene. This variant has not been reported in large, multi-ethnic general populations.

Literature cited by the submitters: PubMed 25341883; PubMed 29980238.

NM_014946.4(SPAST):c.1468del (p.Gln490fs)

Gene: SPAST (spastin; plus strand). Cytogenetic location: 2p22.3.
Variant type: Deletion.
Coding change: c.1468del on transcript NM_014946.4 (MANE Select); coding-DNA position 1468, one base deleted (C; older notation c.1468delC).
Protein change: p.Gln490fs; shifts the reading frame from glutamine 490.
Molecular consequence: frameshift variant.
Genome position (GRCh38, 1-based): chr2:32,137,163, C deleted. VCF-style (leftmost placement, unchanged base first): chr2-32137162-AC-A. GRCh37 (hg19) VCF-style: chr2-32362231-AC-A.
Other names: c.1465del, p.Gln489fs (NM_001363823.2); c.1369del, p.Gln457fs (NM_001363875.2); c.1372del, p.Gln458fs (NM_001377959.1, NM_199436.2); c.1468delC, p.Gln490Lysfs (NM_014946.3); short protein forms Q457fs, Q458fs, Q489fs, Q490fs.
Identifiers: ClinVar variation 1807013 (VCV001807013.1), dbSNP rs2465885080, ClinGen allele CA2580066409.
Genomic context (GRCh38, chr2:32,137,162, plus strand): 5'-CTTGTAGGTACAGTCTGCTGGAGATGACAGAGTACTTGTAATGGGTGCAACTAATAGGCC[AC>A]AAGAGCTTGATGAGGCTGTTCTCAGGTAGGGAGATTTATATGGAAATACATGCATTTATT-3'